The following is an entry in ClinVar:

ClinVar aggregate classification (germline): Uncertain significance. Review status: criteria provided, multiple submitters, no conflicts (2 of 4 stars). 5 submissions from 5 submitters: Uncertain significance (5). Last evaluated 2025-09-22.

Conditions:
Hereditary cancer-predisposing syndrome. Also called: Tumor predisposition; Hereditary neoplastic syndrome; Neoplastic Syndromes, Hereditary; Hereditary Cancer Syndrome. Identifiers: Orphanet 140162, MedGen C0027672, MeSH D009386, MONDO:0015356.
Neuroblastoma, susceptibility to, 3. Also called: ALK-Related Neuroblastic Tumor Susceptibility. Identifiers: Orphanet 635, MedGen C2751681, MONDO:0013083, OMIM 613014.

Allele frequency attached by ClinVar (database versions not stated): TOPMed below 0.00001.

Submissions (5):

Labcorp Genetics (formerly Invitae), Labcorp
Classification: Uncertain significance for Neuroblastoma, susceptibility to, 3. Last evaluated: 2025-09-22. Review status: criteria provided, single submitter. Criteria: Invitae Variant Classification Sherloc (09022015). Collection method: clinical testing. Allele origin: germline.
Comment: This sequence change replaces aspartic acid, which is acidic and polar, with glycine, which is neutral and non-polar, at codon 525 of the ALK protein (p.Asp525Gly). This variant is not present in population databases (gnomAD no frequency). This variant has not been reported in the literature in individuals affected with ALK-related conditions. ClinVar contains an entry for this variant (Variation ID: 1522686). An algorithm developed to predict the effect of missense changes on protein structure and function (PolyPhen-2) suggests that this variant is likely to be tolerated. In summary, the available evidence is currently insufficient to determine the role of this variant in disease. Therefore, it has been classified as a Variant of Uncertain Significance.

Ambry Genetics
Classification: Uncertain significance for Hereditary cancer-predisposing syndrome. Last evaluated: 2024-11-18. Review status: criteria provided, single submitter. Criteria: Ambry Variant Classification Scheme 2023. Collection method: clinical testing. Allele origin: germline.
Comment: The p.D525G variant (also known as c.1574A>G), located in coding exon 8 of the ALK gene, results from an A to G substitution at nucleotide position 1574. The aspartic acid at codon 525 is replaced by glycine, an amino acid with similar properties. This amino acid position is conserved. In addition, this alteration is predicted to be tolerated by in silico analysis. Since supporting evidence is limited at this time, the clinical significance of this alteration remains unclear.

Baylor Genetics
Classification: Uncertain significance for Neuroblastoma, susceptibility to, 3. Last evaluated: 2023-06-04. Review status: criteria provided, single submitter. Criteria: ACMG Guidelines, 2015. Collection method: clinical testing. Allele origin: unknown.

GeneDx
Classification: Uncertain significance. Last evaluated: 2023-01-05. Review status: criteria provided, single submitter. Criteria: GeneDx Variant Classification Process June 2021. Collection method: clinical testing. Allele origin: germline. Affected: yes.
Comment: Not observed at significant frequency in large population cohorts (gnomAD); In silico analysis supports that this missense variant does not alter protein structure/function; Has not been previously published as pathogenic or benign to our knowledge

Sema4
Classification: Uncertain significance for Hereditary cancer-predisposing syndrome. Last evaluated: 2021-10-05. Review status: criteria provided, single submitter. Criteria: Sema4 Curation Guidelines. Collection method: curation. Allele origin: germline.
Comment: The ALK c.1574A>G (p.D525G) variant has not been reported in the literature to our knowledge. It was not observed in the large and broad cohorts of the Genome Aggregation Database (PMID: 32461654). This variant has not been reported in ClinVar. Functional studies have not been performed, and in silico predictions of the variant's effect on protein function are inconclusive. The evidence is insufficient to meet ACMG/AMP criteria for classifying the variant as benign or pathogenic. Thus, the clinical significance of this variant is currently uncertain.

NM_004304.5(ALK):c.1574A>G (p.Asp525Gly)

Gene: ALK (ALK receptor tyrosine kinase; minus strand). Cytogenetic location: 2p23.2.
Variant type: single nucleotide variant.
Coding change: c.1574A>G on transcript NM_004304.5 (MANE Select); coding-DNA position 1574, A replaced by G.
Protein change: p.Asp525Gly; replaces aspartic acid 525 with glycine.
Molecular consequence: missense variant.
Genome position (GRCh38, 1-based): chr2:29,318,377, T>C on the plus strand (A>G on the coding strand, the complement: ALK is on the minus strand). VCF-style: chr2-29318377-T-C. GRCh37 (hg19) VCF-style: chr2-29541243-T-C.
Other names: short protein forms D525G.
Identifiers: ClinVar variation 1522686 (VCV001522686.11), dbSNP rs1666896402, ClinGen allele CA346471296.